The following is an entry in ClinVar:

ClinVar aggregate classification (germline): Benign/Likely benign. Review status: criteria provided, multiple submitters, no conflicts (2 of 4 stars). 2 submissions from 2 submitters: Benign (1); Likely benign (1). Last evaluated 2025-06-02.

Conditions:
Hereditary cancer-predisposing syndrome. Also called: Neoplastic Syndromes, Hereditary; Tumor predisposition; Hereditary Cancer Syndrome; Hereditary neoplastic syndrome. Identifiers: Orphanet 140162, MedGen C0027672, MeSH D009386, MONDO:0015356.
Tuberous sclerosis 2 (TSC2). Identifiers: Orphanet 805, MedGen C1860707, MONDO:0013199, OMIM 613254.

Allele frequency attached by ClinVar (database versions not stated): gnomAD exomes below 0.00001.
gnomAD v4.1: 2 of 1,612,728 alleles (0.00012%); highest among the groups gnomAD compares: South Asian, 0.0022%; no homozygotes.

Submissions (2):

Myriad Genetics, Inc.
Classification: Benign for Tuberous sclerosis 2. Last evaluated: 2025-06-02. Review status: criteria provided, single submitter. Criteria: Myriad Autosomal Dominant, Autosomal Recessive and X-Linked Classification Criteria (2023). Collection method: clinical testing. Allele origin: unknown.
Comment: This variant is considered benign. This variant is a silent/synonymous amino acid change and it is not expected to impact splicing.

Ambry Genetics
Classification: Likely benign for Hereditary cancer-predisposing syndrome. Last evaluated: 2022-02-09. Review status: criteria provided, single submitter. Criteria: Ambry Variant Classification Scheme 2023. Collection method: clinical testing. Allele origin: germline.

NM_000548.5(TSC2):c.4098G>A (p.Glu1366=)

Gene: TSC2 (TSC complex subunit 2; plus strand). Cytogenetic location: 16p13.3.
Variant type: single nucleotide variant.
Coding change: c.4098G>A on transcript NM_000548.5 (MANE Select); coding-DNA position 4098, G replaced by A.
Protein change: p.Glu1366=; no amino-acid change (glutamic acid 1366 retained).
Molecular consequence: synonymous variant. On other transcripts: non-coding transcript variant (5).
Genome position (GRCh38, 1-based): chr16:2,084,320, G>A. VCF-style: chr16-2084320-G-A. GRCh37 (hg19) VCF-style: chr16-2134321-G-A.
Other names: c.3897G>A, p.Glu1299= (NM_001077183.3); c.4029G>A, p.Glu1343= (NM_001114382.3); c.3789G>A, p.Glu1263= (NM_001318827.2); c.3753G>A, p.Glu1251= (NM_001318829.2); c.3366G>A, p.Glu1122= (NM_001318831.2); c.3930G>A, p.Glu1310= (NM_001318832.2); c.3900G>A, p.Glu1300= (NM_001363528.2); c.3966G>A, p.Glu1322= (NM_001370404.1); and 26 more.
Identifiers: ClinVar variation 1737786 (VCV001737786.3), dbSNP rs2544259800, ClinGen allele CA493043208.